The following is an entry in ClinVar:

NM_000059.4(BRCA2):c.9254C>T (p.Thr3085Ile)

Gene: BRCA2 (BRCA2 DNA repair associated; plus strand). Cytogenetic location: 13q13.1.
Variant type: single nucleotide variant.
Coding change: c.9254C>T on transcript NM_000059.4 (MANE Select); coding-DNA position 9254, C replaced by T.
Protein change: p.Thr3085Ile; replaces threonine 3085 with isoleucine.
Molecular consequence: missense variant.
Genome position (GRCh38, 1-based): chr13:32,380,143, C>T. VCF-style: chr13-32380143-C-T. GRCh37 (hg19) VCF-style: chr13-32954280-C-T.
Other names: c.9158C>T, p.Thr3053Ile (NM_001406719.1); c.9203C>T, p.Thr3068Ile (NM_001406720.1); c.4322C>T, p.Thr1441Ile (NM_001406721.1); c.2837C>T, p.Thr946Ile (NM_001406722.1); short protein forms T1441I, T3053I, T3068I, T3085I, T946I.
Identifiers: ClinVar variation 2418259 (VCV002418259.8), dbSNP rs2137625921, ClinGen allele CA387758730.

ClinVar aggregate classification (germline): Uncertain significance (1 of 4 stars; one submission).

Conditions:
Hereditary breast ovarian cancer syndrome. Also called: Hereditary breast and ovarian cancer syndrome; Hereditary breast and ovarian cancer syndrome (HBOC); Hereditary breast and ovarian cancer; Breast and ovarian cancer; BRCA1- and BRCA2-Associated Hereditary Breast and Ovarian Cancer; Hereditary breast and/or ovarian cancer syndrome. Identifiers: Orphanet 145, MedGen C0677776, MeSH D061325, MONDO:0003582. Disease mechanism: loss of function.

Submission:

Labcorp Genetics (formerly Invitae), Labcorp
Classification: Uncertain significance for Hereditary breast ovarian cancer syndrome. Last evaluated: 2022-10-18. Review status: criteria provided, single submitter. Criteria: Invitae Variant Classification Sherloc (09022015). Collection method: clinical testing. Allele origin: germline.
Comment: This variant is not present in population databases (gnomAD no frequency). In summary, the available evidence is currently insufficient to determine the role of this variant in disease. Therefore, it has been classified as a Variant of Uncertain Significance. Algorithms developed to predict the effect of missense changes on protein structure and function output the following: SIFT: "Tolerated"; PolyPhen-2: "Benign"; Align-GVGD: "Class C0". The isoleucine amino acid residue is found in multiple mammalian species, which suggests that this missense change does not adversely affect protein function. This variant has not been reported in the literature in individuals affected with BRCA2-related conditions. This sequence change replaces threonine, which is neutral and polar, with isoleucine, which is neutral and non-polar, at codon 3085 of the BRCA2 protein (p.Thr3085Ile).